The following is an entry in ClinVar:

NM_003872.3(NRP2):c.2442A>G (p.Ile814Met)

Gene: NRP2 (neuropilin 2; plus strand). Cytogenetic location: 2q33.3.
Variant type: single nucleotide variant.
Coding change: c.2442A>G on transcript NM_003872.3 (MANE Select); coding-DNA position 2442, A replaced by G.
Protein change: p.Ile814Met; replaces isoleucine 814 with methionine.
Molecular consequence: missense variant. On other transcripts: intron variant (1).
Genome position (GRCh38, 1-based): chr2:205,792,251, A>G. VCF-style: chr2-205792251-A-G. GRCh37 (hg19) VCF-style: chr2-206656975-A-G.
Other names: c.2457A>G, p.Ile819Met (NM_201266.2); c.2426-2503A>G (NM_201279.2); short protein forms I814M, I819M.
Identifiers: ClinVar variation 3357766 (VCV003357766.1).

ClinVar aggregate classification (germline): Uncertain significance (0 of 4 stars; one submission).

Conditions:
NRP2-related disorder. Also called: NRP2-related condition.

gnomAD v4.1: 3 of 1,596,366 alleles (0.00019%); highest among the groups gnomAD compares: Admixed American, 0.005%; no homozygotes.

Submission:

PreventionGenetics, part of Exact Sciences
Classification: Uncertain significance for NRP2-related condition. Last evaluated: 2024-08-23. Review status: no assertion criteria provided. Collection method: clinical testing. Allele origin: germline.
Comment: The NRP2 c.2457A>G variant is predicted to result in the amino acid substitution p.Ile819Met. To our knowledge, this variant has not been reported in the literature. This variant is reported in 0.012% of alleles in individuals of Latino descent in gnomAD. At this time, the clinical significance of this variant is uncertain due to the absence of conclusive functional and genetic evidence.